The following is an entry in ClinVar:

ClinVar aggregate classification (germline): Uncertain significance. Review status: criteria provided, multiple submitters, no conflicts (2 of 4 stars). 2 submissions from 2 submitters: Uncertain significance (2). Last evaluated 2024-05-20.

Conditions:
Bartter disease type 2. Also called: HYPERPROSTAGLANDIN E SYNDROME 2; HYPOKALEMIC ALKALOSIS WITH HYPERCALCIURIA 2, ANTENATAL; Bartter syndrome, type 2, antenatal. Identifiers: Orphanet 112, Orphanet 620220, MedGen C1855849, MONDO:0009424, OMIM 241200.

Allele frequency attached by ClinVar (database versions not stated): gnomAD 0.00003; TOPMed 0.00004.
gnomAD v4.1: 6 of 1,614,018 alleles (0.00037%); highest among the groups gnomAD compares: African/African-American, 0.008%; no homozygotes.

Submissions (2):

Fulgent Genetics
Classification: Uncertain significance for Bartter disease type 2. Last evaluated: 2024-05-20. Review status: criteria provided, single submitter. Criteria: ACMG Guidelines, 2015. Collection method: clinical testing. Allele origin: germline.

Labcorp Genetics (formerly Invitae), Labcorp
Classification: Uncertain significance. Last evaluated: 2022-07-09. Review status: criteria provided, single submitter. Criteria: Invitae Variant Classification Sherloc (09022015). Collection method: clinical testing. Allele origin: germline.
Comment: This sequence change replaces leucine, which is neutral and non-polar, with methionine, which is neutral and non-polar, at codon 159 of the KCNJ1 protein (p.Leu159Met). This variant is present in population databases (no rsID available, gnomAD 0.008%). This variant has not been reported in the literature in individuals affected with KCNJ1-related conditions. Algorithms developed to predict the effect of missense changes on protein structure and function are either unavailable or do not agree on the potential impact of this missense change (SIFT: "Deleterious"; PolyPhen-2: "Probably Damaging"; Align-GVGD: "Class C0"). In summary, the available evidence is currently insufficient to determine the role of this variant in disease. Therefore, it has been classified as a Variant of Uncertain Significance.

NM_153766.3(KCNJ1):c.418C>A (p.Leu140Met)

Gene: KCNJ1 (potassium inwardly rectifying channel subfamily J member 1; minus strand). Cytogenetic location: 11q24.3.
Variant type: single nucleotide variant.
Coding change: c.418C>A on transcript NM_153766.3 (MANE Select); coding-DNA position 418, C replaced by A.
Protein change: p.Leu140Met; replaces leucine 140 with methionine.
Molecular consequence: missense variant.
Genome position (GRCh38, 1-based): chr11:128,839,826, G>T on the plus strand (C>A on the coding strand, the complement: KCNJ1 is on the minus strand). VCF-style: chr11-128839826-G-T. GRCh37 (hg19) VCF-style: chr11-128709721-G-T.
Other names: c.475C>A, p.Leu159Met (NM_000220.6); c.418C>A, p.Leu140Met (NM_153764.3, NM_153767.4); c.469C>A, p.Leu157Met (NM_153765.3); short protein forms L157M, L140M, L159M.
Identifiers: ClinVar variation 2193928 (VCV002193928.2), dbSNP rs892013110, ClinGen allele CA6357525.